The following is an entry in ClinVar:

NM_014491.4(FOXP2):c.1731A>G (p.Glu577=)

Gene: FOXP2 (forkhead box P2; plus strand). Cytogenetic location: 7q31.1.
Variant type: single nucleotide variant.
Coding change: c.1731A>G on transcript NM_014491.4 (MANE Select); coding-DNA position 1731, A replaced by G.
Protein change: p.Glu577=; no amino-acid change (glutamic acid 577 retained).
Molecular consequence: synonymous variant. On other transcripts: non-coding transcript variant (2).
Genome position (GRCh38, 1-based): chr7:114,662,148, A>G. VCF-style: chr7-114662148-A-G. GRCh37 (hg19) VCF-style: chr7-114302203-A-G.
Other names: c.1728A>G, p.Glu576= (NM_001172766.3); c.1806A>G, p.Glu602= (NM_148898.4); c.1782A>G, p.Glu594= (NM_148900.4).
Identifiers: ClinVar variation 3045396 (VCV003045396.2), dbSNP rs1806905090, ClinGen allele CA457220270.

ClinVar aggregate classification (germline): Likely benign (0 of 4 stars; one submission).

Conditions:
FOXP2-related disorder. Also called: FOXP2-related condition.

Allele frequency attached by ClinVar (database versions not stated): TOPMed below 0.00001; gnomAD 0.00001; gnomAD exomes below 0.00001.
gnomAD v4.1: 2 of 1,612,830 alleles (0.00012%); highest among the groups gnomAD compares: African/African-American, 0.0013%; no homozygotes.

Submission:

PreventionGenetics, part of Exact Sciences
Classification: Likely benign for FOXP2-related condition. Last evaluated: 2022-12-28. Review status: no assertion criteria provided. Collection method: clinical testing. Allele origin: germline.
Comment: This variant is classified as likely benign based on ACMG/AMP sequence variant interpretation guidelines (Richards et al. 2015 PMID: 25741868, with internal and published modifications).